The following is an entry in ClinVar:

ClinVar aggregate classification (germline): Uncertain significance. Review status: criteria provided, multiple submitters, no conflicts (2 of 4 stars). 2 submissions from 2 submitters: Uncertain significance (2). Last evaluated 2024-01-03.

Conditions:
Cardiomyopathy (CMYO). Also called: Cardiomyopathies. Identifiers: Orphanet 167848, MedGen C0878544, MONDO:0004994, HP:0001638. Inheritance: Various modes of inheritance.
Hypertrophic cardiomyopathy. Also called: HYPERTROPHIC MYOCARDIOPATHY. Identifiers: Orphanet 217569, MedGen C0007194, MeSH D002312, MONDO:0005045, HP:0001639.

Submissions (2):

Labcorp Genetics (formerly Invitae), Labcorp
Classification: Uncertain significance for Hypertrophic cardiomyopathy. Last evaluated: 2024-01-03. Review status: criteria provided, single submitter. Criteria: Invitae Variant Classification Sherloc (09022015). Collection method: clinical testing. Allele origin: germline.
Comment: This sequence change replaces glycine, which is neutral and non-polar, with glutamic acid, which is acidic and polar, at codon 2 of the MYH7 protein (p.Gly2Glu). This variant is not present in population databases (gnomAD no frequency). This variant has not been reported in the literature in individuals affected with MYH7-related conditions. Advanced modeling of protein sequence and biophysical properties (such as structural, functional, and spatial information, amino acid conservation, physicochemical variation, residue mobility, and thermodynamic stability) has been performed at Invitae for this missense variant, however the output from this modeling did not meet the statistical confidence thresholds required to predict the impact of this variant on MYH7 protein function. In summary, the available evidence is currently insufficient to determine the role of this variant in disease. Therefore, it has been classified as a Variant of Uncertain Significance.

All of Us Research Program, National Institutes of Health
Classification: Uncertain significance for Cardiomyopathy. Last evaluated: 2023-11-02. Review status: criteria provided, single submitter. Criteria: ACMG Guidelines, 2015. Collection method: clinical testing. Allele origin: germline. Inheritance: Autosomal dominant inheritance. Observed: 1 variant allele, 1 heterozygote.
Comment: This missense variant replaces glycine with glutamic acid at codon 2 of the MYH7 protein. Computational prediction suggests that this variant may not impact protein structure and function (internally defined REVEL score threshold <= 0.5, PMID: 27666373). To our knowledge, functional studies have not been reported for this variant. This variant has not been reported in individuals affected with MYH7-related disorders in the literature. This variant has not been identified in the general population by the Genome Aggregation Database (gnomAD). The available evidence is insufficient to determine the role of this variant in disease conclusively. Therefore, this variant is classified as a Variant of Uncertain Significance.

This study involves interpretation of variants in research participants for the purpose of population health screening. Participant phenotype was not available at the time of variant classification. Additional details can be found in publication PMID: 35346344, PMCID: PMC8962531

NM_000257.4(MYH7):c.5G>A (p.Gly2Glu)

Gene: MYH7 (myosin heavy chain 7; minus strand). Cytogenetic location: 14q11.2.
Variant type: single nucleotide variant.
Coding change: c.5G>A on transcript NM_000257.4 (MANE Select); coding-DNA position 5, G replaced by A.
Protein change: p.Gly2Glu; replaces glycine 2 with glutamic acid.
Molecular consequence: missense variant.
Genome position (GRCh38, 1-based): chr14:23,433,728, C>T on the plus strand (G>A on the coding strand, the complement: MYH7 is on the minus strand). VCF-style: chr14-23433728-C-T. GRCh37 (hg19) VCF-style: chr14-23902937-C-T.
Other names: c.5G>A, p.Gly2Glu (NM_001407004.1); short protein forms G2E.
Identifiers: ClinVar variation 2800756 (VCV002800756.4), dbSNP rs2502323072, ClinGen allele CA389054252.